The following is an entry in ClinVar:

ClinVar aggregate classification (germline): Uncertain significance (1 of 4 stars; one submission).

gnomAD v4.1: 2 of 1,599,070 alleles (0.00013%); highest among the groups gnomAD compares: South Asian, 0.0011%; no homozygotes.

Submission:

GeneDx
Classification: Uncertain significance. Last evaluated: 2024-08-07. Review status: criteria provided, single submitter. Criteria: GeneDx Variant Classification Process June 2021. Collection method: clinical testing. Allele origin: germline. Affected: yes.
Comment: Not observed at significant frequency in large population cohorts (gnomAD); In silico analysis supports that this missense variant has a deleterious effect on protein structure/function; Has not been previously published as pathogenic or benign to our knowledge

NM_001148.6(ANK2):c.13G>T (p.Asp5Tyr)

Gene: ANK2 (ankyrin 2; plus strand). Cytogenetic location: 4q25.
Variant type: single nucleotide variant.
Coding change: c.13G>T on transcript NM_001148.6 (MANE Select); coding-DNA position 13, G replaced by T.
Protein change: p.Asp5Tyr; replaces aspartic acid 5 with tyrosine.
Molecular consequence: missense variant. On other transcripts: intron variant (43).
Genome position (GRCh38, 1-based): chr4:113,049,741, G>T. VCF-style: chr4-113049741-G-T. GRCh37 (hg19) VCF-style: chr4-113970897-G-T.
Other names: c.13G>T, p.Asp5Tyr (NM_001354225.2, NM_001354228.2, NM_001354232.2 and 10 more transcripts); c.73-124675G>T (NM_001386186.2, NM_001386148.2, NM_001354269.3 and 1 more transcripts); c.22-101339G>T (NM_001386147.1, NM_001386160.1, NM_001354261.2); c.22-124675G>T (NM_001354254.2, NM_001354239.2, NM_001354252.2 and 33 more transcripts); short protein forms D5Y.
Identifiers: ClinVar variation 432547 (VCV000432547.3), dbSNP rs748654930, ClinGen allele CA357992657.